The following is an entry in ClinVar:

NM_000540.3(RYR1):c.7864C>T (p.Leu2622=)

Gene: RYR1 (ryanodine receptor 1; plus strand). Cytogenetic location: 19q13.2.
Variant type: single nucleotide variant.
Coding change: c.7864C>T on transcript NM_000540.3 (MANE Select); coding-DNA position 7864, C replaced by T.
Protein change: p.Leu2622=; no amino-acid change (leucine 2622 retained).
Molecular consequence: synonymous variant.
Genome position (GRCh38, 1-based): chr19:38,502,908, C>T. VCF-style: chr19-38502908-C-T. GRCh37 (hg19) VCF-style: chr19-38993548-C-T.
Other names: c.7864C>T, p.Leu2622= (NM_001042723.2).
Identifiers: ClinVar variation 808555 (VCV000808555.23), dbSNP rs370820784, ClinGen allele CA082716.

ClinVar aggregate classification (germline): Likely benign. Review status: criteria provided, multiple submitters, no conflicts (2 of 4 stars). 4 submissions from 4 submitters: Likely benign (4). Last evaluated 2026-07-01.

Conditions:
RYR1-related disorder. Also called: RYR1-related disorders; RYR1-related condition. Identifiers: MedGen CN239331.
Malignant hyperthermia, susceptibility to, 1 (MHS1). Also called: RYR1-Related Malignant Hyperthermia Susceptibility; Malignant hyperthermia suceptibility 1; Anesthesia related hyperthermia; Malignant hyperpyrexia; Fulminating hyperpyrexia; Pharmacogenic myopathy. Identifiers: Orphanet 423, MedGen C2930980, MONDO:0007783, OMIM 145600.

Allele frequency attached by ClinVar (database versions not stated): gnomAD 0.00001; TOPMed 0.00001; gnomAD exomes 0.00004; ExAC 0.00005; ESP Exome Variant Server 0.00008.
gnomAD v4.1: 23 of 1,611,782 alleles (0.0014%); highest among the groups gnomAD compares: South Asian, 0.0088%; 1 homozygote.

Submissions (4):

CeGaT Center for Human Genetics Tuebingen
Classification: Likely benign. Last evaluated: 2026-07-01. Review status: criteria provided, single submitter. Criteria: CeGaT Center For Human Genetics Tuebingen Variant Classification Criteria Version 2. Collection method: clinical testing. Allele origin: germline. Affected: yes. Observed: 1 variant allele.
Comment: RYR1: BP4

Labcorp Genetics (formerly Invitae), Labcorp
Classification: Likely benign for RYR1-related disorder. Last evaluated: 2026-01-25. Review status: criteria provided, single submitter. Criteria: Invitae Variant Classification Sherloc (09022015). Collection method: clinical testing. Allele origin: germline.

All of Us Research Program, National Institutes of Health
Classification: Likely benign for Malignant hyperthermia, susceptibility to, 1. Last evaluated: 2023-09-17. Review status: criteria provided, single submitter. Criteria: ACMG Guidelines, 2015. Collection method: clinical testing. Allele origin: germline. Inheritance: Autosomal dominant inheritance. Observed: 3 variant alleles, 3 heterozygotes.
Comment: This study involves interpretation of variants in research participants for the purpose of population health screening. Participant phenotype was not available at the time of variant classification. Additional details can be found in publication PMID: 35346344, PMCID: PMC8962531

Color Diagnostics, LLC DBA Color Health
Classification: Likely benign for Malignant hyperthermia, susceptibility to, 1. Last evaluated: 2022-05-06. Review status: criteria provided, single submitter. Criteria: ACMG Guidelines, 2015. Collection method: clinical testing. Allele origin: germline.